The following is an entry in ClinVar:

NM_144670.6(A2ML1):c.1745A>G (p.Gln582Arg)

Gene: A2ML1 (alpha-2-macroglobulin like 1; plus strand). Cytogenetic location: 12p13.31.
Variant type: single nucleotide variant.
Coding change: c.1745A>G on transcript NM_144670.6 (MANE Select); coding-DNA position 1745, A replaced by G.
Protein change: p.Gln582Arg; replaces glutamine 582 with arginine.
Molecular consequence: missense variant.
Genome position (GRCh38, 1-based): chr12:8,847,610, A>G. VCF-style: chr12-8847610-A-G. GRCh37 (hg19) VCF-style: chr12-9000206-A-G.
Other names: c.272A>G, p.Gln91Arg (NM_001282424.3); c.1745A>G (NM_144670.3); short protein forms Q582R, Q91R.
Identifiers: ClinVar variation 413818 (VCV000413818.18), dbSNP rs200271507, ClinGen allele CA6435800.

ClinVar aggregate classification (germline): Conflicting classifications of pathogenicity. Review status: criteria provided, conflicting classifications (1 of 4 stars). 5 submissions from 5 submitters: Uncertain significance (1); Benign (3). 1 of the submissions does not count toward it. Last evaluated 2026-02-02.

Conditions:
A2ML1-related disorder. Also called: A2ML1-related condition.

Allele frequency attached by ClinVar (database versions not stated): gnomAD exomes 0.00021 and 0.00050; ExAC 0.00056; 1000 Genomes Project 0.00140; 1000 Genomes Project 30x 0.00141; ESP Exome Variant Server 0.00173; TOPMed 0.00204; gnomAD 0.00208 and 0.00225.
gnomAD v4.1: 628 of 1,613,620 alleles (0.039%); highest among the groups gnomAD compares: African/African-American, 0.76%; 1 homozygote.

Submissions (5):

Labcorp Genetics (formerly Invitae), Labcorp
Classification: Benign. Last evaluated: 2026-02-02. Review status: criteria provided, single submitter. Criteria: Invitae Variant Classification Sherloc (09022015). Collection method: clinical testing. Allele origin: germline.

Ambry Genetics
Classification: Uncertain significance. Last evaluated: 2025-01-27. Review status: criteria provided, single submitter. Criteria: Ambry Variant Classification Scheme 2023. Collection method: clinical testing. Allele origin: germline.
Comment: The p.Q582R variant (also known as c.1745A>G), located in coding exon 15 of the A2ML1 gene, results from an A to G substitution at nucleotide position 1745. The glutamine at codon 582 is replaced by arginine, an amino acid with highly similar properties. This amino acid position is conserved. In addition, this alteration is predicted to be tolerated by in silico analysis. Since supporting evidence is limited at this time, the clinical significance of this alteration remains unclear.

Women's Health and Genetics/Laboratory Corporation of America, LabCorp
Classification: Benign. Last evaluated: 2020-08-24. Review status: criteria provided, single submitter. Criteria: LabCorp Variant Classification Summary - May 2015. Collection method: clinical testing. Allele origin: germline.
Comment: Variant summary: A2ML1 c.1745A>G (p.Gln582Arg) results in a conservative amino acid change in the encoded protein sequence. Five of five in-silico tools predict a benign effect of the variant on protein function. The variant allele was found at a frequency of 0.0005 in 248684 control chromosomes, predominantly at a frequency of 0.0071 within the African or African-American subpopulation in the gnomAD database. The observed variant frequency within African or African-American control individuals in the gnomAD database is approximately 1800-fold of the estimated maximal expected allele frequency for a pathogenic variant in A2ML1 causing Noonan Syndrome phenotype (4e-06), strongly suggesting that the variant is a benign polymorphism found primarily in populations of African or African-American origin. To our knowledge, no occurrence of c.1745A>G in individuals affected with Noonan Syndrome and no experimental evidence demonstrating its impact on protein function have been reported. One clinical diagnostic laboratory has submitted clinical-significance assessments for this variant to ClinVar after 2014 without evidence for independent evaluation, and classified the variant as benign. Based on the evidence outlined above, the variant was classified as benign.

GeneDx
Classification: Benign. Last evaluated: 2019-09-17. Review status: criteria provided, single submitter. Criteria: GeneDx Variant Classification Process June 2021. Collection method: clinical testing. Allele origin: germline. Affected: yes.

PreventionGenetics, part of Exact Sciences
Classification: Benign for A2ML1-related condition. Last evaluated: 2020-01-06. Review status: no assertion criteria provided. Collection method: clinical testing. Allele origin: germline. Not counted in ClinVar's aggregate classification.
Comment: This variant is classified as benign based on ACMG/AMP sequence variant interpretation guidelines (Richards et al. 2015 PMID: 25741868, with internal and published modifications).